The following is an entry in ClinVar:

ClinVar aggregate classification (germline): Uncertain significance (1 of 4 stars; one submission).

Conditions:
Cardiovascular phenotype. Identifiers: MedGen CN230736.

Submission:

Ambry Genetics
Classification: Uncertain significance for Cardiovascular phenotype. Last evaluated: 2025-09-28. Review status: criteria provided, single submitter. Criteria: Ambry Variant Classification Scheme 2023. Collection method: clinical testing. Allele origin: germline.
Comment: The p.K517E variant (also known as c.1549A>G), located in coding exon 5 of the ALPK3 gene, results from an A to G substitution at nucleotide position 1549. The lysine at codon 517 is replaced by glutamic acid, an amino acid with similar properties. This amino acid position is conserved. In addition, the in silico prediction for this alteration is inconclusive. Based on the available evidence, the clinical significance of this variant remains unclear.

NM_020778.5(ALPK3):c.943A>G (p.Lys315Glu)

Gene: ALPK3 (alpha kinase 3; plus strand). Cytogenetic location: 15q25.3.
Variant type: single nucleotide variant.
Coding change: c.943A>G on transcript NM_020778.5 (MANE Select); coding-DNA position 943, A replaced by G.
Protein change: p.Lys315Glu; replaces lysine 315 with glutamic acid.
Molecular consequence: missense variant.
Genome position (GRCh38, 1-based): chr15:84,840,222, A>G. VCF-style: chr15-84840222-A-G. GRCh37 (hg19) VCF-style: chr15-85383453-A-G.
Other names: short protein forms K315E.
Identifiers: ClinVar variation 4613497 (VCV004613497.1).